The following is an entry in ClinVar:

NM_007294.4(BRCA1):c.3616dup (p.Ala1206fs)

Genes: BRCA1 (BRCA1 DNA repair associated; minus strand), LOC126862571 (BRD4-independent group 4 enhancer GRCh37_chr17:41243136-41244335; plus strand). Cytogenetic location: 17q21.31.
Variant type: Duplication.
Coding change: c.3616dup on transcript NM_007294.4 (MANE Select); coding-DNA position 3616, one base duplicated (G; older notation c.3616dupG).
Protein change: p.Ala1206fs; shifts the reading frame from alanine 1206.
Molecular consequence: frameshift variant. On other transcripts: intron variant (135).
Genome position (GRCh38, 1-based): chr17:43,091,915, C duplicated on the plus strand (G on the coding strand, the reverse complement: BRCA1 is on the minus strand); the first of 4 consecutive C bases (chr17:43,091,915-43,091,918); duplicating any one gives the same sequence. VCF-style (leftmost placement, unchanged base first): chr17-43091914-G-GC. GRCh37 (hg19) VCF-style: chr17-41243931-G-GC.
Other names: c.3493dup, p.Ala1165fs (NM_001407674.1, NM_001407675.1, NM_001407676.1 and 19 more transcripts); c.3616dup, p.Ala1206fs (NM_001407684.1, NM_007300.4, NM_001407581.1 and 30 more transcripts); c.3475dup, p.Ala1159fs (NM_001407728.1, NM_001407729.1, NM_001407730.1 and 29 more transcripts); c.3490dup, p.Ala1164fs (NM_001407685.1, NM_001407686.1, NM_001407687.1 and 11 more transcripts); c.3412dup, p.Ala1138fs (NM_001407874.1, NM_001407875.1); c.3406dup, p.Ala1136fs (NM_001407879.1, NM_001407881.1, NM_001407882.1 and 13 more transcripts); c.3403dup, p.Ala1135fs (NM_001407894.1, NM_001407895.1, NM_001407896.1 and 9 more transcripts); c.3352dup, p.Ala1118fs (NM_001407920.1, NM_001407921.1, NM_001407922.1 and 9 more transcripts); and 41 more; short protein forms A1159fs, A1206fs, A1117fs, A1165fs, A1180fs, A1078fs, A1136fs, A1203fs.
Identifiers: ClinVar variation 1075564 (VCV001075564.8), dbSNP rs886038019, ClinGen allele CA2499224458.

ClinVar aggregate classification (germline): Pathogenic (1 of 4 stars; one submission).

Conditions:
Hereditary breast ovarian cancer syndrome. Also called: Hereditary breast and ovarian cancer; Breast and ovarian cancer; BRCA1- and BRCA2-Associated Hereditary Breast and Ovarian Cancer; Hereditary breast and/or ovarian cancer syndrome; Hereditary breast and ovarian cancer syndrome; Hereditary breast and ovarian cancer syndrome (HBOC). Identifiers: Orphanet 145, MedGen C0677776, MeSH D061325, MONDO:0003582. Disease mechanism: loss of function.

Submission:

Labcorp Genetics (formerly Invitae), Labcorp
Classification: Pathogenic for Hereditary breast ovarian cancer syndrome. Last evaluated: 2024-04-29. Review status: criteria provided, single submitter. Criteria: Invitae Variant Classification Sherloc (09022015). Collection method: clinical testing. Allele origin: germline.
Comment: This sequence change creates a premature translational stop signal (p.Ala1206Glyfs*13) in the BRCA1 gene. It is expected to result in an absent or disrupted protein product. Loss-of-function variants in BRCA1 are known to be pathogenic (PMID: 20104584). This variant is not present in population databases (gnomAD no frequency). This variant has not been reported in the literature in individuals affected with BRCA1-related conditions. ClinVar contains an entry for this variant (Variation ID: 1075564). For these reasons, this variant has been classified as Pathogenic.

Literature cited by the submitters: PubMed 20104584.